The following is an entry in ClinVar:

NM_002224.4(ITPR3):c.5596T>C (p.Ser1866Pro)

Gene: ITPR3 (inositol 1,4,5-trisphosphate receptor type 3; plus strand). Cytogenetic location: 6p21.31.
Variant type: single nucleotide variant.
Coding change: c.5596T>C on transcript NM_002224.4 (MANE Select); coding-DNA position 5596, T replaced by C.
Protein change: p.Ser1866Pro; replaces serine 1866 with proline.
Molecular consequence: missense variant.
Genome position (GRCh38, 1-based): chr6:33,685,756, T>C. VCF-style: chr6-33685756-T-C. GRCh37 (hg19) VCF-style: chr6-33653533-T-C.
Other names: short protein forms S1866P.
Identifiers: ClinVar variation 4871971 (VCV004871971.2).
Genomic context (GRCh38, chr6:33,685,756, plus strand): 5'-CCCAGCCTGCGCCGGGGGCACGAGGTGAGCGAACGTGTGCAGAGCAGTGAGATGGGCACA[T>C]CCGTGCTCATCATGCAGCCCATCCTGCGCTTTCTGCAGCTGCTGTGTGAGAACCACAACC-3'
Protein context (NP_002215.2, residues 1856-1876): ERVQSSEMGT[Ser1866Pro]VLIMQPILRF

ClinVar aggregate classification (germline): Uncertain significance (1 of 4 stars; one submission).

gnomAD v4.1: 1 of 1,604,944 alleles (0.000062%); highest among the groups gnomAD compares: Non-Finnish European, 0.000085%; no homozygotes.

Submission:

CeGaT Center for Human Genetics Tuebingen
Classification: Uncertain significance. Last evaluated: 2026-04-01. Review status: criteria provided, single submitter. Criteria: CeGaT Center For Human Genetics Tuebingen Variant Classification Criteria Version 2. Collection method: clinical testing. Allele origin: germline. Affected: yes. Observed: 1 variant allele.
Comment: ITPR3: PM2